The following is an entry in ClinVar:

ClinVar aggregate classification (germline): Pathogenic (1 of 4 stars; one submission).

Conditions:
GLE1-related disorder. Also called: GLE1-related condition; GLE1-related disorders.

Submission:

Women's Health and Genetics/Laboratory Corporation of America, LabCorp
Classification: Pathogenic for GLE1-Related Disorders. Last evaluated: 2024-06-03. Review status: criteria provided, single submitter. Criteria: LabCorp Variant Classification Summary - May 2015. Collection method: clinical testing. Allele origin: germline.
Comment: Variant summary: The variant involves the deletion of exons 13-16 in the GLE1 gene. A presumed nomenclature of c.(1776+1_1777-1)_(*1119_?)del has been designated for the purposes of this classification. The exact breakpoint at the distal 3' end of this variant is unknown, therefore this deletion may extend downstream of the annotated region of the gene. As it encompasses the termination codon, it is predicted to escape nonsense mediated decay (NMD). The variant was absent in 21692 control chromosomes (gnomAD SVs database v2). To our knowledge, no occurrence of c.(1776+1_1777-1)_(*1119_?)del in individuals affected with GLE1-Related Disorders and no experimental evidence demonstrating its impact on protein function have been reported. At-least one downtream missense variant (c.2051T>C, p.I684T) has been associated with disease (PMID 18204449 28657126). ClinVar contains an entry for this variant (Variation ID: 830522). Based on the evidence outlined above, the variant was classified as pathogenic.

NC_000009.11:g.(131298764_131300264)_(131304568_?)del

Gene: GLE1 (GLE1 RNA export mediator; plus strand). Cytogenetic location: 9q34.11.
Variant type: Deletion.
Identifiers: ClinVar variation 3339777 (VCV003339777.1).